The following is an entry in ClinVar:

ClinVar aggregate classification (germline): Pathogenic (0 of 4 stars; one submission).

Conditions:
Fanconi anemia complementation group A (FANCA). Also called: Fanconi anemia, group A; FANCA-Related Fanconi Anemia. Identifiers: Orphanet 84, MedGen C3469521, MONDO:0009215, OMIM 227650.

Submission:

Leiden Open Variation Database
Classification: Pathogenic for Fanconi anemia complementation group A. Last evaluated: 2020-02-28. Review status: no assertion criteria provided. Collection method: curation. Allele origin: germline. Affected: yes.
Comment: Curator: Arleen D. Auerbach. Submitter to LOVD: Arleen D. Auerbach.

Literature cited by the submitters: PubMed 25168418.

NC_000016.10:g.(?_89737551)_(89799639_89803258)del

Genes: ZNF276 (zinc finger protein 276; plus strand), FANCA (FA complementation group A; minus strand). Cytogenetic location: 16q24.3.
Variant type: Deletion.
Identifiers: ClinVar variation 974104 (VCV000974104.1).